The following is an entry in ClinVar:

NM_007294.4(BRCA1):c.3767C>T (p.Thr1256Ile)

Genes: BRCA1 (BRCA1 DNA repair associated; minus strand), LOC126862571 (BRD4-independent group 4 enhancer GRCh37_chr17:41243136-41244335; plus strand). Cytogenetic location: 17q21.31.
Variant type: single nucleotide variant.
Coding change: c.3767C>T on transcript NM_007294.4 (MANE Select); coding-DNA position 3767, C replaced by T.
Protein change: p.Thr1256Ile; replaces threonine 1256 with isoleucine.
Molecular consequence: missense variant. On other transcripts: intron variant (135).
Genome position (GRCh38, 1-based): chr17:43,091,764, G>A on the plus strand (C>T on the coding strand, the complement: BRCA1 is on the minus strand). VCF-style: chr17-43091764-G-A. GRCh37 (hg19) VCF-style: chr17-41243781-G-A.
Other names: c.3644C>T, p.Thr1215Ile (NM_001407863.1, NM_001407919.1, NM_001407664.1 and 19 more transcripts); c.3563C>T, p.Thr1188Ile (NM_001407874.1, NM_001407875.1); c.3557C>T, p.Thr1186Ile (NM_001407879.1, NM_001407881.1, NM_001407882.1 and 13 more transcripts); c.3554C>T, p.Thr1185Ile (NM_001407894.1, NM_001407895.1, NM_001407896.1 and 9 more transcripts); c.3503C>T, p.Thr1168Ile (NM_001407928.1, NM_001407929.1, NM_001407933.1 and 9 more transcripts); c.3500C>T, p.Thr1167Ile (NM_001407930.1, NM_001407931.1, NM_001407932.1 and 2 more transcripts); c.3689C>T, p.Thr1230Ile (NM_001407656.1, NM_001407657.1, NM_001407658.1 and 4 more transcripts); c.3686C>T, p.Thr1229Ile (NM_001407659.1, NM_001407660.1, NM_001407661.1 and 1 more transcripts); and 41 more; short protein forms T1256I, T1209I, T1129I, T388I, T1088I, T1144I, T1168I, T1215I.
Identifiers: ClinVar variation 1519305 (VCV001519305.11), dbSNP rs2154289053, ClinGen allele CA10594436.

ClinVar aggregate classification (germline): Conflicting classifications of pathogenicity. Review status: criteria provided, conflicting classifications (1 of 4 stars). 2 submissions from 2 submitters: Uncertain significance (1); Likely benign (1). Last evaluated 2023-07-03.

Conditions:
Hereditary breast ovarian cancer syndrome. Also called: Hereditary breast and ovarian cancer syndrome; Hereditary breast and/or ovarian cancer syndrome; BRCA1- and BRCA2-Associated Hereditary Breast and Ovarian Cancer; Hereditary breast and ovarian cancer syndrome (HBOC); Breast and ovarian cancer; Hereditary breast and ovarian cancer. Identifiers: Orphanet 145, MedGen C0677776, MeSH D061325, MONDO:0003582. Disease mechanism: loss of function.
Hereditary cancer-predisposing syndrome. Also called: Hereditary neoplastic syndrome; Hereditary Cancer Syndrome; Tumor predisposition; Neoplastic Syndromes, Hereditary. Identifiers: Orphanet 140162, MedGen C0027672, MeSH D009386, MONDO:0015356.

gnomAD v4.1: 1 of 1,614,158 alleles (0.000062%); highest among the groups gnomAD compares: Non-Finnish European, 0.000085%; no homozygotes.

Submissions (2):

Labcorp Genetics (formerly Invitae), Labcorp
Classification: Uncertain significance for Hereditary breast ovarian cancer syndrome. Last evaluated: 2023-07-03. Review status: criteria provided, single submitter. Criteria: Invitae Variant Classification Sherloc (09022015). Collection method: clinical testing. Allele origin: germline.
Comment: This sequence change replaces threonine, which is neutral and polar, with isoleucine, which is neutral and non-polar, at codon 1256 of the BRCA1 protein (p.Thr1256Ile). This variant is not present in population databases (gnomAD no frequency). This variant has not been reported in the literature in individuals affected with BRCA1-related conditions. ClinVar contains an entry for this variant (Variation ID: 1519305). Advanced modeling of protein sequence and biophysical properties (such as structural, functional, and spatial information, amino acid conservation, physicochemical variation, residue mobility, and thermodynamic stability) performed at Invitae indicates that this missense variant is not expected to disrupt BRCA1 protein function. In summary, the available evidence is currently insufficient to determine the role of this variant in disease. Therefore, it has been classified as a Variant of Uncertain Significance.

University of Washington Department of Laboratory Medicine, University of Washington
Classification: Likely benign for Hereditary cancer-predisposing syndrome. Last evaluated: 2023-03-23. Review status: criteria provided, single submitter. Criteria: Dines et al. (Genet Med. 2020). Collection method: curation. Allele origin: germline.
Comment: Missense variant in a coldspot region where missense variants are very unlikely to be pathogenic (PMID:31911673).

BRCA1 coldspot (exon 11 using historical exon numbering). Reclassification based on statistical prior probability